The following is an entry in ClinVar:

NM_000722.4(CACNA2D1):c.1816A>G (p.Thr606Ala)

Gene: CACNA2D1 (calcium voltage-gated channel auxiliary subunit alpha2delta 1; minus strand). Cytogenetic location: 7q21.11.
Variant type: single nucleotide variant.
Coding change: c.1816A>G on transcript NM_000722.4 (MANE Select); coding-DNA position 1816, A replaced by G.
Protein change: p.Thr606Ala; replaces threonine 606 with alanine.
Molecular consequence: missense variant.
Genome position (GRCh38, 1-based): chr7:81,984,692, T>C on the plus strand (A>G on the coding strand, the complement: CACNA2D1 is on the minus strand). VCF-style: chr7-81984692-T-C. GRCh37 (hg19) VCF-style: chr7-81614008-T-C.
Other names: c.1873A>G, p.Thr625Ala (NM_001366867.1); short protein forms T606A, T625A.
Identifiers: ClinVar variation 3262820 (VCV003262820.1).
Genomic context (GRCh38, chr7:81,984,692, plus strand): 5'-TACATCTGGCCTGAGTTATTGTCTCTTCTAGTTTGGCTTTTATATAGTAAAAACTGTAGG[T>C]TGGTAATACCAAGGCCAAACTGCAATAGAAACAAGAGAAGCATAAACACAAACAAACAAA-3'
Protein context (NP_000713.2, residues 596-616): TDYSLALVLP[Thr606Ala]YSFYYIKAKL

ClinVar aggregate classification (germline): Uncertain significance (1 of 4 stars; one submission).

Conditions:
Cardiovascular phenotype. Identifiers: MedGen CN230736.

Submission:

Ambry Genetics
Classification: Uncertain significance for Cardiovascular phenotype. Last evaluated: 2024-06-06. Review status: criteria provided, single submitter. Criteria: Ambry Variant Classification Scheme 2023. Collection method: clinical testing. Allele origin: germline.
Comment: The p.T606A variant (also known as c.1816A>G), located in coding exon 22 of the CACNA2D1 gene, results from an A to G substitution at nucleotide position 1816. The threonine at codon 606 is replaced by alanine, an amino acid with similar properties. This amino acid position is conserved. In addition, this alteration is predicted to be tolerated by in silico analysis. Based on the available evidence, the clinical significance of this variant remains unclear.